The following is an entry in ClinVar:

NM_003846.3(PEX11B):c.375-7G>A

Gene: PEX11B (peroxisomal biogenesis factor 11 beta; minus strand). Cytogenetic location: 1q21.1.
Variant type: single nucleotide variant.
Coding change: c.375-7G>A on transcript NM_003846.3 (MANE Select); 7 bases into the intron before coding-DNA position 375, G replaced by A.
Molecular consequence: intron variant.
Genome position (GRCh38, 1-based): chr1:145,912,573, C>T on the plus strand (G>A on the coding strand, the complement: PEX11B is on the minus strand). VCF-style: chr1-145912573-C-T. GRCh37 (hg19) VCF-style: chr1-145522507-G-A.
Other names: c.375-7G>A (NM_003846.2); c.333-7G>A (NM_001184795.1).
Identifiers: ClinVar variation 501873 (VCV000501873.14), dbSNP rs1049689144, ClinGen allele CA29813364.

ClinVar aggregate classification (germline): Conflicting classifications of pathogenicity. Review status: criteria provided, conflicting classifications (1 of 4 stars). 4 submissions from 4 submitters: Uncertain significance (1); Likely benign (2). 1 of the submissions does not count toward it. Last evaluated 2025-09-11.

Conditions:
PEX11B-related disorder. Also called: PEX11B-related condition.

Allele frequency attached by ClinVar (database versions not stated): gnomAD exomes below 0.00001; gnomAD 0.00001.
gnomAD v4.1: 5 of 1,478,074 alleles (0.00034%); highest among the groups gnomAD compares: Non-Finnish European, 0.00045%; no homozygotes.

Submissions (4):

Labcorp Genetics (formerly Invitae), Labcorp
Classification: Likely benign. Last evaluated: 2025-09-11. Review status: criteria provided, single submitter. Criteria: Invitae Variant Classification Sherloc (09022015). Collection method: clinical testing. Allele origin: germline.

Blueprint Genetics
Classification: Likely benign. Last evaluated: 2023-10-02. Review status: criteria provided, single submitter. Criteria: ACMG Guidelines, 2015. Collection method: clinical testing. Allele origin: germline.

Eurofins Ntd Llc (ga)
Classification: Uncertain significance. Last evaluated: 2017-05-15. Review status: criteria provided, single submitter. Criteria: EGL Classification Definitions 2015. Collection method: clinical testing. Allele origin: germline. Observed: 1 variant allele, 1 heterozygote.

PreventionGenetics, part of Exact Sciences
Classification: Likely benign for PEX11B-related condition. Last evaluated: 2024-08-22. Review status: no assertion criteria provided. Collection method: clinical testing. Allele origin: germline. Not counted in ClinVar's aggregate classification.
Comment: This variant is classified as likely benign based on ACMG/AMP sequence variant interpretation guidelines (Richards et al. 2015 PMID: 25741868, with internal and published modifications).